The following is an entry in ClinVar:

ClinVar aggregate classification (germline): Likely pathogenic. Review status: criteria provided, single submitter (1 of 4 stars). 2 submissions from 2 submitters: Likely pathogenic (1). 1 of the submissions does not count toward it. Last evaluated 2022-05-18.

Conditions:
CFAP418-related disorders.
CFAP418-related disorder. Also called: CFAP418-related condition.

gnomAD v4.1: 3 of 1,566,974 alleles (0.00019%); highest among the groups gnomAD compares: Non-Finnish European, 0.00026%; no homozygotes.

Submissions (2):

Blueprint Genetics
Classification: Likely pathogenic for CFAP418-related disorders. Last evaluated: 2022-05-18. Review status: criteria provided, single submitter. Criteria: ACMG Guidelines, 2015. Collection method: clinical testing. Allele origin: germline. Affected: yes. Observed: 1 variant allele.

PreventionGenetics, part of Exact Sciences
Classification: Uncertain significance for CFAP418-related condition. Last evaluated: 2024-05-02. Review status: no assertion criteria provided. Collection method: clinical testing. Allele origin: germline. Not counted in ClinVar's aggregate classification.
Comment: The CFAP418 c.243+3A>C variant is predicted to interfere with splicing. This variant is predicted to impact splicing at the consensus donor site (SpliceAI, Jaganathan et al. 2019. PubMed ID: 30661751). To our knowledge, this variant has not been reported in the literature. This variant is reported in 0.00088% of alleles in individuals of European (Non-Finnish) descent in gnomAD. At this time, the clinical significance of this variant is uncertain due to the absence of conclusive functional and genetic evidence.

NM_177965.4(CFAP418):c.243+3A>C

Gene: CFAP418 (cilia and flagella associated protein 418; minus strand). Cytogenetic location: 8q22.1.
Variant type: single nucleotide variant.
Coding change: c.243+3A>C on transcript NM_177965.4 (MANE Select); 3 bases into the intron after coding-DNA position 243, A replaced by C.
Molecular consequence: intron variant.
Genome position (GRCh38, 1-based): chr8:95,263,684, T>G on the plus strand (A>C on the coding strand, the complement: CFAP418 is on the minus strand). VCF-style: chr8-95263684-T-G. GRCh37 (hg19) VCF-style: chr8-96275912-T-G.
Other names: c.243+3A>C (NM_001363260.1).
Identifiers: ClinVar variation 3358696 (VCV003358696.2).